The following is an entry in ClinVar:

ClinVar aggregate classification (germline): Uncertain significance (1 of 4 stars; one submission).

Submission:

Labcorp Genetics (formerly Invitae), Labcorp
Classification: Uncertain significance. Last evaluated: 2022-08-21. Review status: criteria provided, single submitter. Criteria: Invitae Variant Classification Sherloc (09022015). Collection method: clinical testing. Allele origin: germline.
Comment: In summary, the available evidence is currently insufficient to determine the role of this variant in disease. Therefore, it has been classified as a Variant of Uncertain Significance. Algorithms developed to predict the effect of missense changes on protein structure and function output the following: SIFT: "Not Available"; PolyPhen-2: "Benign"; Align-GVGD: "Not Available". The threonine amino acid residue is found in multiple mammalian species, which suggests that this missense change does not adversely affect protein function. This variant has not been reported in the literature in individuals affected with ADAMTS18-related conditions. This variant is not present in population databases (gnomAD no frequency). This sequence change replaces lysine, which is basic and polar, with threonine, which is neutral and polar, at codon 505 of the ADAMTS18 protein (p.Lys505Thr).

NM_199355.4(ADAMTS18):c.1514A>C (p.Lys505Thr)

Gene: ADAMTS18 (ADAM metallopeptidase with thrombospondin type 1 motif 18; minus strand). Cytogenetic location: 16q23.1.
Variant type: single nucleotide variant.
Coding change: c.1514A>C on transcript NM_199355.4 (MANE Select); coding-DNA position 1514, A replaced by C.
Protein change: p.Lys505Thr; replaces lysine 505 with threonine.
Molecular consequence: missense variant.
Genome position (GRCh38, 1-based): chr16:77,353,833, T>G on the plus strand (A>C on the coding strand, the complement: ADAMTS18 is on the minus strand). VCF-style: chr16-77353833-T-G. GRCh37 (hg19) VCF-style: chr16-77387730-T-G.
Other names: c.998A>C, p.Lys333Thr (NM_001326358.2); short protein forms K333T, K505T.
Identifiers: ClinVar variation 1972059 (VCV001972059.5), dbSNP rs2543721624, ClinGen allele CA396834567.